The following is an entry in ClinVar:

NM_001365536.1(SCN9A):c.1155G>T (p.Val385=)

Genes: SCN1A-AS1 (SCN1A and SCN9A antisense RNA 1; plus strand), SCN9A (sodium voltage-gated channel alpha subunit 9; minus strand). Cytogenetic location: 2q24.3.
Variant type: single nucleotide variant.
Coding change: c.1155G>T on transcript NM_001365536.1 (MANE Select); coding-DNA position 1155, G replaced by T.
Protein change: p.Val385=; no amino-acid change (valine 385 retained).
Molecular consequence: synonymous variant.
Genome position (GRCh38, 1-based): chr2:166,288,596, C>A on the plus strand (G>T on the coding strand, the complement: SCN9A is on the minus strand). VCF-style: chr2-166288596-C-A. GRCh37 (hg19) VCF-style: chr2-167145106-C-A.
Other names: p.Val385=; c.1155G>T, p.Val385= (NM_002977.4).
Identifiers: ClinVar variation 130255 (VCV000130255.41), dbSNP rs58465962, ClinGen allele CA155104.

ClinVar aggregate classification (germline): Benign. Review status: criteria provided, multiple submitters, no conflicts (2 of 4 stars). 14 submissions from 12 submitters: Benign (10). 4 of the submissions do not count toward it. Last evaluated 2026-02-03.

Conditions:
Neuropathy, hereditary sensory and autonomic, type 2A (HSAN2A). Also called: WNK1-Related HSAN2 (HSAN2A); HSAN IIA; ACROOSTEOLYSIS, GIACCAI TYPE; ACROOSTEOLYSIS, NEUROGENIC; MORVAN DISEASE; NEUROPATHY, CONGENITAL SENSORY. Identifiers: Orphanet 970, MedGen C2752089, MONDO:0024309, OMIM 201300.
Generalized epilepsy with febrile seizures plus, type 7 (GEFSP7). Also called: GEFS+, TYPE 7. Identifiers: Orphanet 36387, MedGen C2751778, MONDO:0013470, OMIM 613863.
Paroxysmal extreme pain disorder (PEXPD). Also called: SCN9A Paroxysmal Extreme Pain Disorder (SCN9A-PEPD); PAIN, SUBMANDIBULAR, OCULAR, AND RECTAL, WITH FLUSHING; RECTAL PAIN, FAMILIAL. Identifiers: Orphanet 46348, MedGen C1833661, MONDO:0008179, OMIM 167400.
Primary erythromelalgia. Also called: SCN9A Erythromelalgia (SCN9A-EM); primary erythermalgia. Identifiers: Orphanet 306577, Orphanet 90026, MedGen C0014805, MONDO:0007571, OMIM 133020.
Channelopathy-associated congenital insensitivity to pain, autosomal recessive. Also called: Insensitivity to pain, channelopathy-associated; CONGENITAL ANALGESIA, AUTOSOMAL RECESSIVE; ASYMBOLIA FOR PAIN. Identifiers: Orphanet 88642, Orphanet 970, MedGen C1855739, MONDO:0009459, OMIM 243000.

Allele frequency attached by ClinVar (database versions not stated): 1000 Genomes Project 30x 0.04700; 1000 Genomes Project 0.04573; ExAC 0.01665; gnomAD 0.04153 and 0.04390; ESP Exome Variant Server 0.04214; TOPMed 0.04543.
gnomAD v4.1: 17,430 of 1,611,628 alleles (1.1%); highest among the groups gnomAD compares: African/African-American, 13%; 754 homozygotes.

Submissions (24):

Labcorp Genetics (formerly Invitae), Labcorp
Classification: Benign for Neuropathy, hereditary sensory and autonomic, type 2A; Generalized epilepsy with febrile seizures plus, type 7. Last evaluated: 2026-02-03. Review status: criteria provided, single submitter. Criteria: Invitae Variant Classification Sherloc (09022015). Collection method: clinical testing. Allele origin: germline.

ARUP Laboratories, Molecular Genetics and Genomics, ARUP Laboratories
Classification: Benign. Last evaluated: 2025-05-22. Review status: criteria provided, single submitter. Criteria: ARUP Molecular Germline Variant Investigation Process 2024. Collection method: clinical testing. Allele origin: germline.

Illumina Laboratory Services, Illumina
Classification: Benign for Paroxysmal extreme pain disorder. Last evaluated: 2018-01-12. Review status: criteria provided, single submitter. Criteria: ICSL Variant Classification Criteria 13 December 2019. Collection method: clinical testing. Allele origin: germline.
Comment: This variant was observed in the ICSL laboratory as part of a predisposition screen in an ostensibly healthy population. It had not been previously curated by ICSL or reported in the Human Gene Mutation Database (HGMD: prior to June 1st, 2018), and was therefore a candidate for classification through an automated scoring system. Utilizing variant allele frequency, disease prevalence and penetrance estimates, and inheritance mode, an automated score was calculated to assess if this variant is too frequent to cause the disease. Based on the score and internal cut-off values, a variant classified as benign is not then subjected to further curation. The score for this variant resulted in a classification of benign for this disease.

Illumina Laboratory Services, Illumina
Classification: Benign for Primary erythromelalgia. Last evaluated: 2018-01-12. Review status: criteria provided, single submitter. Criteria: ICSL Variant Classification Criteria 13 December 2019. Collection method: clinical testing. Allele origin: germline.
Comment: the same text as in the submission from Illumina Laboratory Services, Illumina above.

Illumina Laboratory Services, Illumina
Classification: Benign for Channelopathy-associated congenital insensitivity to pain, autosomal recessive. Last evaluated: 2018-01-12. Review status: criteria provided, single submitter. Criteria: ICSL Variant Classification Criteria 13 December 2019. Collection method: clinical testing. Allele origin: germline.
Comment: the same text as in the submission from Illumina Laboratory Services, Illumina above.

Mayo Clinic Laboratories, Mayo Clinic
Classification: Benign. Last evaluated: 2016-07-28. Review status: criteria provided, single submitter. Criteria: ACMG Guidelines, 2015. Collection method: clinical testing. Allele origin: germline. Observed: 55 variant alleles.

Eurofins Ntd Llc (ga)
Classification: Benign. Last evaluated: 2015-09-10. Review status: criteria provided, single submitter. Criteria: EGL Classification Definitions 2015. Collection method: clinical testing. Allele origin: germline. Observed: 1 variant allele, 1 heterozygote.

GeneDx
Classification: Benign. Last evaluated: 2015-03-03. Review status: criteria provided, single submitter. Criteria: GeneDx Variant Classification Process June 2021. Collection method: clinical testing. Allele origin: germline. Affected: yes.

Breakthrough Genomics
Classification: Benign. Review status: criteria provided, single submitter. Criteria: ACMG Guidelines, 2015. Collection method: not provided. Allele origin: germline. Inheritance: Autosomal recessive inheritance. Affected: yes.

PreventionGenetics, part of Exact Sciences
Classification: Benign. Review status: criteria provided, single submitter. Criteria: ACMG Guidelines, 2015. Collection method: clinical testing. Allele origin: germline.

Clinical Genetics, Academic Medical Center
Classification: Benign. Review status: no assertion criteria provided. Collection method: clinical testing. Allele origin: germline. Affected: yes. Study: VKGL Data-share Consensus. Not counted in ClinVar's aggregate classification.

Dr. Peter K. Rogan Lab, Western University
No classification provided (evidence only). Condition: Melanoma. Review status: no classification provided. Collection method: in vitro. Allele origin: not applicable. Functional consequence: retained intron. Not counted in ClinVar's aggregate classification.

Dr. Peter K. Rogan Lab, Western University
No classification provided (evidence only). Condition: Acute myeloid leukemia. Review status: no classification provided. Collection method: in vitro. Allele origin: not applicable. Functional consequence: retained intron. Not counted in ClinVar's aggregate classification.

Dr. Peter K. Rogan Lab, Western University
No classification provided (evidence only). Condition: Acute myeloid leukemia. Review status: no classification provided. Collection method: in vitro. Allele origin: not applicable. Functional consequence: retained intron. Not counted in ClinVar's aggregate classification.

Dr. Peter K. Rogan Lab, Western University
No classification provided (evidence only). Condition: Thyroid cancer, nonmedullary, 1. Review status: no classification provided. Collection method: in vitro. Allele origin: not applicable. Functional consequence: retained intron. Not counted in ClinVar's aggregate classification.

Dr. Peter K. Rogan Lab, Western University
No classification provided (evidence only). Condition: Thyroid cancer, nonmedullary, 1. Review status: no classification provided. Collection method: in vitro. Allele origin: not applicable. Functional consequence: retained intron. Not counted in ClinVar's aggregate classification.

Dr. Peter K. Rogan Lab, Western University
No classification provided (evidence only). Condition: Cervical cancer. Review status: no classification provided. Collection method: in vitro. Allele origin: not applicable. Functional consequence: retained intron. Not counted in ClinVar's aggregate classification.

Dr. Peter K. Rogan Lab, Western University
No classification provided (evidence only). Condition: Cervical cancer. Review status: no classification provided. Collection method: in vitro. Allele origin: not applicable. Functional consequence: retained intron. Not counted in ClinVar's aggregate classification.

Dr. Peter K. Rogan Lab, Western University
No classification provided (evidence only). Condition: Hepatocellular carcinoma. Review status: no classification provided. Collection method: in vitro. Allele origin: not applicable. Functional consequence: retained intron. Not counted in ClinVar's aggregate classification.

Dr. Peter K. Rogan Lab, Western University
No classification provided (evidence only). Condition: Ovarian serous cystadenocarcinoma. Review status: no classification provided. Collection method: in vitro. Allele origin: not applicable. Functional consequence: retained intron. Not counted in ClinVar's aggregate classification.

Dr. Peter K. Rogan Lab, Western University
No classification provided (evidence only). Condition: Ovarian serous cystadenocarcinoma. Review status: no classification provided. Collection method: in vitro. Allele origin: not applicable. Functional consequence: retained intron. Not counted in ClinVar's aggregate classification.

Genetic Services Laboratory, University of Chicago
Classification: Likely benign for AllHighlyPenetrant. Review status: no assertion criteria provided. Collection method: clinical testing. Allele origin: germline. Inheritance: Autosomal dominant inheritance. Not counted in ClinVar's aggregate classification.
Comment: Likely benign based on allele frequency in 1000 Genomes Project or ESP global frequency and its presence in a patient with a rare or unrelated disease phenotype. NOT Sanger confirmed.

Genome Diagnostics Laboratory, University Medical Center Utrecht
Classification: Benign. Review status: no assertion criteria provided. Collection method: clinical testing. Allele origin: germline. Affected: yes. Study: VKGL Data-share Consensus. Not counted in ClinVar's aggregate classification.

Joint Genome Diagnostic Labs from Nijmegen and Maastricht, Radboudumc and MUMC+
Classification: Benign. Review status: no assertion criteria provided. Collection method: clinical testing. Allele origin: germline. Affected: yes. Study: VKGL Data-share Consensus. Not counted in ClinVar's aggregate classification.